The following is an entry in ClinVar:

ClinVar aggregate classification (germline): Pathogenic (1 of 4 stars; one submission).

Conditions:
Early-infantile DEE. Also called: Ohtahara syndrome; Early infantile epileptic encephalopathy; Early infantile epileptic encephalopathy with suppression bursts. Identifiers: Orphanet 1934, MedGen C0393706, MONDO:0800491.

Submission:

Labcorp Genetics (formerly Invitae), Labcorp
Classification: Pathogenic for Early-infantile DEE. Last evaluated: 2023-04-29. Review status: criteria provided, single submitter. Criteria: Invitae Variant Classification Sherloc (09022015). Collection method: clinical testing. Allele origin: germline.
Comment: For these reasons, this variant has been classified as Pathogenic. This premature translational stop signal has been observed in individual(s) with benign familial neonatal seizures (PMID: 32613771). This variant is not present in population databases (gnomAD no frequency). This sequence change creates a premature translational stop signal (p.Gln591*) in the KCNQ2 gene. It is expected to result in an absent or disrupted protein product. Loss-of-function variants in KCNQ2 are known to be pathogenic (PMID: 14534157, 23692823, 27779742).

Literature cited by the submitters: PubMed 32613771; PubMed 14534157; PubMed 23692823; PubMed 27779742.

NM_172107.4(KCNQ2):c.1771C>T (p.Gln591Ter)

Gene: KCNQ2 (potassium voltage-gated channel subfamily Q member 2; minus strand). Cytogenetic location: 20q13.33.
Variant type: single nucleotide variant.
Coding change: c.1771C>T on transcript NM_172107.4 (MANE Select); coding-DNA position 1771, C replaced by T.
Protein change: p.Gln591Ter; replaces glutamine 591 with a stop codon.
Molecular consequence: nonsense.
Genome position (GRCh38, 1-based): chr20:63,408,529, G>A on the plus strand (C>T on the coding strand, the complement: KCNQ2 is on the minus strand). VCF-style: chr20-63408529-G-A. GRCh37 (hg19) VCF-style: chr20-62039882-G-A.
Other names: c.1825C>T, p.Gln609Ter (NM_001382235.1); c.1687C>T, p.Gln563Ter (NM_004518.6); c.1717C>T, p.Gln573Ter (NM_172106.3); c.1678C>T, p.Gln560Ter (NM_172108.5); short protein forms Q560*, Q563*, Q573*, Q609*, Q591*.
Identifiers: ClinVar variation 2780447 (VCV002780447.3), dbSNP rs2516119519, ClinGen allele CA409640478.
Genomic context (GRCh38, chr20:63,408,529, plus strand): 5'-CCTCGGCCGGGCCCTTGGTGCGGTCCTTGTCCGTGATCGCTGGGCCCCGCCCCACGATCT[G>A]GTCCACTCTACCGGGAACAGAGACCCCAAAGCATGAGTTCGGGTGGGTGCAGCAGGGCCC-3'